The following is an entry in ClinVar:

NM_000179.3(MSH6):c.1489A>G (p.Arg497Gly)

Gene: MSH6 (mutS homolog 6; plus strand). Cytogenetic location: 2p16.3.
Variant type: single nucleotide variant.
Coding change: c.1489A>G on transcript NM_000179.3 (MANE Select); coding-DNA position 1489, A replaced by G.
Protein change: p.Arg497Gly; replaces arginine 497 with glycine.
Molecular consequence: missense variant.
Genome position (GRCh38, 1-based): chr2:47,799,472, A>G. VCF-style: chr2-47799472-A-G. GRCh37 (hg19) VCF-style: chr2-48026611-A-G.
Other names: c.1099A>G, p.Arg367Gly (NM_001281492.2); c.583A>G, p.Arg195Gly (NM_001281493.2, NM_001281494.2, NM_001406811.1 and 6 more transcripts); c.1585A>G, p.Arg529Gly (NM_001406795.1, NM_001406802.1); c.1489A>G, p.Arg497Gly (NM_001406796.1, NM_001406798.1, NM_001406800.1 and 4 more transcripts); c.1192A>G, p.Arg398Gly (NM_001406797.1, NM_001406801.1, NM_001406805.1 and 10 more transcripts); c.964A>G, p.Arg322Gly (NM_001406799.1, NM_001406806.1, NM_001406807.1); c.1411A>G, p.Arg471Gly (NM_001406804.1); c.1495A>G, p.Arg499Gly (NM_001406813.1); and 1 more; short protein forms R367G, R441G, R529G, R195G, R322G, R499G, R398G, R471G.
Identifiers: ClinVar variation 1977840 (VCV001977840.5), dbSNP rs2530612522, ClinGen allele CA346746082.

ClinVar aggregate classification (germline): Uncertain significance (1 of 4 stars; one submission).

Conditions:
Hereditary nonpolyposis colorectal neoplasms. Identifiers: MedGen C0009405, MeSH D003123.

Submission:

Labcorp Genetics (formerly Invitae), Labcorp
Classification: Uncertain significance for Hereditary nonpolyposis colorectal neoplasms. Last evaluated: 2023-12-27. Review status: criteria provided, single submitter. Criteria: Invitae Variant Classification Sherloc (09022015). Collection method: clinical testing. Allele origin: germline.
Comment: This sequence change replaces arginine, which is basic and polar, with glycine, which is neutral and non-polar, at codon 497 of the MSH6 protein (p.Arg497Gly). This variant is not present in population databases (gnomAD no frequency). This variant has not been reported in the literature in individuals affected with MSH6-related conditions. ClinVar contains an entry for this variant (Variation ID: 1977840). Advanced modeling of protein sequence and biophysical properties (such as structural, functional, and spatial information, amino acid conservation, physicochemical variation, residue mobility, and thermodynamic stability) performed at Invitae indicates that this missense variant is not expected to disrupt MSH6 protein function with a negative predictive value of 95%. In summary, the available evidence is currently insufficient to determine the role of this variant in disease. Therefore, it has been classified as a Variant of Uncertain Significance.